The following is an entry in ClinVar:

ClinVar aggregate classification (germline): Likely benign. Review status: criteria provided, single submitter (1 of 4 stars). 2 submissions from 2 submitters: Likely benign (1). 1 of the submissions does not count toward it. Last evaluated 2025-10-24.

Conditions:
Cognitive impairment - coarse facies - heart defects - obesity - pulmonary involvement - short stature - skeletal dysplasia syndrome. Also called: AFF4-Related CHOPS Syndrome; COGNITIVE IMPAIRMENT, COARSE FACIES, HEART DEFECTS, OBESITY, PULMONARY INVOLVEMENT, SHORT STATURE, AND SKELETAL DYSPLASIA; Chops syndrome. Identifiers: Orphanet 444077, MedGen C4085597, MONDO:0014609, OMIM 616368.
AFF4-related disorder. Also called: AFF4-related condition.

gnomAD v4.1: 14 of 1,614,142 alleles (0.00087%); highest among the groups gnomAD compares: African/African-American, 0.004%; no homozygotes.

Submissions (2):

Labcorp Genetics (formerly Invitae), Labcorp
Classification: Likely benign for Cognitive impairment - coarse facies - heart defects - obesity - pulmonary involvement - short stature - skeletal dysplasia syndrome. Last evaluated: 2025-10-24. Review status: criteria provided, single submitter. Criteria: Invitae Variant Classification Sherloc (09022015). Collection method: clinical testing. Allele origin: germline.

PreventionGenetics, part of Exact Sciences
Classification: Likely benign for AFF4-related condition. Last evaluated: 2021-08-04. Review status: no assertion criteria provided. Collection method: clinical testing. Allele origin: germline. Not counted in ClinVar's aggregate classification.
Comment: This variant is classified as likely benign based on ACMG/AMP sequence variant interpretation guidelines (Richards et al. 2015 PMID: 25741868, with internal and published modifications).

NM_014423.4(AFF4):c.2208G>A (p.Pro736=)

Gene: AFF4 (ALF transcription elongation factor 4; minus strand). Cytogenetic location: 5q31.1.
Variant type: single nucleotide variant.
Coding change: c.2208G>A on transcript NM_014423.4 (MANE Select); coding-DNA position 2208, G replaced by A.
Protein change: p.Pro736=; no amino-acid change (proline 736 retained).
Molecular consequence: synonymous variant.
Genome position (GRCh38, 1-based): chr5:132,896,422, C>T on the plus strand (G>A on the coding strand, the complement: AFF4 is on the minus strand). VCF-style: chr5-132896422-C-T. GRCh37 (hg19) VCF-style: chr5-132232114-C-T.
Identifiers: ClinVar variation 3357559 (VCV003357559.2).